The following is an entry in ClinVar:

ClinVar aggregate classification (germline): Uncertain significance (1 of 4 stars; one submission).

Conditions:
Growth delay due to insulin-like growth factor I resistance. Also called: Somatomedin end-organ insensitivity to; Somatomedin-c resistance to; IGF-1 resistance; IGF-I RESISTANCE; Insulin-Like Growth Factor I Resistance. Identifiers: Orphanet 73273, MedGen C1849157, MONDO:0010038, OMIM 270450.

Submission:

Juno Genomics, Hangzhou Juno Genomics, Inc
Classification: Uncertain significance for Growth delay due to insulin-like growth factor I resistance. Review status: criteria provided, single submitter. Criteria: ACMG Guidelines, 2015. Collection method: clinical testing. Allele origin: germline.
Comment: Null variant in a gene where loss of function (LOF) is a known mechanism of disease.;Absent from controls (or at extremely low frequency if recessive) in Genome Aggregation Database.

NM_000875.5(IGF1R):c.3628del (p.Glu1210fs)

Gene: IGF1R (insulin like growth factor 1 receptor; plus strand). Cytogenetic location: 15q26.3.
Variant type: Deletion.
Coding change: c.3628del on transcript NM_000875.5 (MANE Select); coding-DNA position 3628, one base deleted (G; older notation c.3628delG).
Protein change: p.Glu1210fs; shifts the reading frame from glutamic acid 1210.
Molecular consequence: frameshift variant.
Genome position (GRCh38, 1-based): chr15:98,948,614, G deleted. VCF-style (leftmost placement, unchanged base first): chr15-98948613-CG-C. GRCh37 (hg19) VCF-style: chr15-99491842-CG-C.
Other names: c.3625del, p.Glu1209fs (NM_001291858.2); short protein forms E1209fs, E1210fs.
Identifiers: ClinVar variation 5005500 (VCV005005500.2).
Genomic context (GRCh38, chr15:98,948,613, plus strand): 5'-ACAGTTTTTTTCTCCCTGTAGGTCCTTCGGGGTCGTCCTCTGGGAGATCGCCACACTGGC[CG>C]AGCAGCCCTACCAGGGCTTGTCCAACGAGCAAGTCCTTCGCTTCGTCATGGAGGGCGGCC-3'